The following is an entry in ClinVar:

NM_213655.5(WNK1):c.2144G>A (p.Arg715His)

Gene: WNK1 (WNK lysine deficient protein kinase 1; plus strand). Cytogenetic location: 12p13.33.
Variant type: single nucleotide variant.
Coding change: c.2144G>A on transcript NM_213655.5 (MANE Plus Clinical); coding-DNA position 2144, G replaced by A.
Protein change: p.Arg715His; replaces arginine 715 with histidine.
Molecular consequence: missense variant. On other transcripts: intron variant (3).
Genome position (GRCh38, 1-based): chr12:865,114, G>A. VCF-style: chr12-865114-G-A. GRCh37 (hg19) VCF-style: chr12-974280-G-A.
Other names: c.2140-2752G>A (NM_001184985.2); c.2139+2844G>A (NM_018979.4, NM_014823.3); short protein forms R715H.
Identifiers: ClinVar variation 1507381 (VCV001507381.6), dbSNP rs566423174, ClinGen allele CA231495073.

ClinVar aggregate classification (germline): Uncertain significance (1 of 4 stars; one submission).

Conditions:
Neuropathy, hereditary sensory and autonomic, type 2A (HSAN2A). Also called: ACROOSTEOLYSIS, GIACCAI TYPE; ACROOSTEOLYSIS, NEUROGENIC; MORVAN DISEASE; NEUROPATHY, CONGENITAL SENSORY; NEUROPATHY, HEREDITARY SENSORY RADICULAR, AUTOSOMAL RECESSIVE; NEUROPATHY, HEREDITARY SENSORY, TYPE IIA. Identifiers: Orphanet 970, MedGen C2752089, MONDO:0024309, OMIM 201300.
Pseudohypoaldosteronism type 2C (PHA2C). Also called: Pseudohypoaldosteronism Type IIC. Identifiers: Orphanet 757, Orphanet 88940, MedGen C1840391, MONDO:0013778, OMIM 614492.

Allele frequency attached by ClinVar (database versions not stated): 1000 Genomes Project 0.00020; 1000 Genomes Project 30x 0.00031.
gnomAD v4.1: 24 of 1,515,598 alleles (0.0016%); highest among the groups gnomAD compares: African/African-American, 0.0041%; no homozygotes.

Submission:

Labcorp Genetics (formerly Invitae), Labcorp
Classification: Uncertain significance for Neuropathy, hereditary sensory and autonomic, type 2A; Pseudohypoaldosteronism type 2C. Last evaluated: 2025-06-22. Review status: criteria provided, single submitter. Criteria: Invitae Variant Classification Sherloc (09022015). Collection method: clinical testing. Allele origin: germline.
Comment: This sequence change replaces arginine, which is basic and polar, with histidine, which is basic and polar, at codon 715 of the WNK1 protein (p.Arg715His). The frequency data for this variant in the population databases is considered unreliable, as metrics indicate poor data quality at this position in the gnomAD database. This variant has not been reported in the literature in individuals affected with WNK1-related conditions. ClinVar contains an entry for this variant (Variation ID: 1507381). Invitae Evidence Modeling of protein sequence and biophysical properties (such as structural, functional, and spatial information, amino acid conservation, physicochemical variation, residue mobility, and thermodynamic stability) indicates that this missense variant is not expected to disrupt WNK1 protein function with a negative predictive value of 95%. In summary, the available evidence is currently insufficient to determine the role of this variant in disease. Therefore, it has been classified as a Variant of Uncertain Significance.